The following is an entry in ClinVar:

ClinVar aggregate classification (germline): Uncertain significance. Review status: criteria provided, multiple submitters, no conflicts (2 of 4 stars). 2 submissions from 2 submitters: Uncertain significance (2). Last evaluated 2023-04-06.

Conditions:
Hereditary cancer-predisposing syndrome. Also called: Tumor predisposition; Hereditary neoplastic syndrome; Neoplastic Syndromes, Hereditary; Hereditary Cancer Syndrome. Identifiers: Orphanet 140162, MedGen C0027672, MeSH D009386, MONDO:0015356.

Submissions (2):

Ambry Genetics
Classification: Uncertain significance for Hereditary cancer-predisposing syndrome. Last evaluated: 2023-04-06. Review status: criteria provided, single submitter. Criteria: Ambry Variant Classification Scheme 2023. Collection method: clinical testing. Allele origin: germline.
Comment: The p.Q157K variant (also known as c.469C>A), located in coding exon 3 of the MSH3 gene, results from a C to A substitution at nucleotide position 469. The glutamine at codon 157 is replaced by lysine, an amino acid with similar properties. This amino acid position is conserved. In addition, this alteration is predicted to be tolerated by in silico analysis. Since supporting evidence is limited at this time, the clinical significance of this alteration remains unclear.

Labcorp Genetics (formerly Invitae), Labcorp
Classification: Uncertain significance. Last evaluated: 2022-03-10. Review status: criteria provided, single submitter. Criteria: Invitae Variant Classification Sherloc (09022015). Collection method: clinical testing. Allele origin: germline.
Comment: This sequence change replaces glutamine, which is neutral and polar, with lysine, which is basic and polar, at codon 157 of the MSH3 protein (p.Gln157Lys). This variant is not present in population databases (gnomAD no frequency). Algorithms developed to predict the effect of missense changes on protein structure and function output the following: SIFT: "Tolerated"; PolyPhen-2: "Benign"; Align-GVGD: "Class C0". The lysine amino acid residue is found in multiple mammalian species, which suggests that this missense change does not adversely affect protein function. This variant has not been reported in the literature in individuals affected with MSH3-related conditions. In summary, the available evidence is currently insufficient to determine the role of this variant in disease. Therefore, it has been classified as a Variant of Uncertain Significance.

NM_002439.5(MSH3):c.469C>A (p.Gln157Lys)

Gene: MSH3 (mutS homolog 3; plus strand). Cytogenetic location: 5q14.1.
Variant type: single nucleotide variant.
Coding change: c.469C>A on transcript NM_002439.5 (MANE Select); coding-DNA position 469, C replaced by A.
Protein change: p.Gln157Lys; replaces glutamine 157 with lysine.
Molecular consequence: missense variant.
Genome position (GRCh38, 1-based): chr5:80,665,253, C>A. VCF-style: chr5-80665253-C-A. GRCh37 (hg19) VCF-style: chr5-79961072-C-A.
Other names: c.469C>A (NM_002439.3); short protein forms Q157K.
Identifiers: ClinVar variation 2200211 (VCV002200211.6), dbSNP rs2112808839, ClinGen allele CA360263641.